The following is an entry in ClinVar:

NM_018026.4(PACS1):c.956C>T (p.Thr319Ile)

Gene: PACS1 (phosphofurin acidic cluster sorting protein 1; plus strand). Cytogenetic location: 11q13.2.
Variant type: single nucleotide variant.
Coding change: c.956C>T on transcript NM_018026.4 (MANE Select); coding-DNA position 956, C replaced by T.
Protein change: p.Thr319Ile; replaces threonine 319 with isoleucine.
Molecular consequence: missense variant.
Genome position (GRCh38, 1-based): chr11:66,216,753, C>T. VCF-style: chr11-66216753-C-T. GRCh37 (hg19) VCF-style: chr11-65984224-C-T.
Other names: short protein forms T319I.
Identifiers: ClinVar variation 2990117 (VCV002990117.4), dbSNP rs1318253211, ClinGen allele CA381351643.
Genomic context (GRCh38, chr11:66,216,753, plus strand): 5'-AGGACTTGTTCTACGAAGACGAAGATCTCCGGAAAGTGAAGAAGACCCGGAGGAAACTAA[C>T]CTCAACCTCTGCCATCACAAGGGTGAGCCTCAAAGGTCTGGGGAGTGGTTGGCTAAGATT-3'
Protein context (NP_060496.2, residues 309-329): RKVKKTRRKL[Thr319Ile]STSAITRQPN

ClinVar aggregate classification (germline): Uncertain significance. Review status: criteria provided, multiple submitters, no conflicts (2 of 4 stars). 2 submissions from 2 submitters: Uncertain significance (2). Last evaluated 2026-08-01.

Conditions:
Schuurs-Hoeijmakers syndrome. Also called: PACS1-Related Neurodevelopmental Disorder. Identifiers: Orphanet 329224, MedGen C3554343, MONDO:0014006, OMIM 615009.

Allele frequency attached by ClinVar (database versions not stated): gnomAD 0.00001.
gnomAD v4.1: 1 of 1,613,774 alleles (0.000062%); highest among the groups gnomAD compares: African/African-American, 0.0013%; no homozygotes.

Submissions (2):

CeGaT Center for Human Genetics Tuebingen
Classification: Uncertain significance. Last evaluated: 2026-08-01. Review status: criteria provided, single submitter. Criteria: CeGaT Center For Human Genetics Tuebingen Variant Classification Criteria Version 2. Collection method: clinical testing. Allele origin: germline. Affected: yes. Observed: 1 variant allele.
Comment: PACS1: PM2:Supporting, PP2

Labcorp Genetics (formerly Invitae), Labcorp
Classification: Uncertain significance for Schuurs-Hoeijmakers syndrome. Last evaluated: 2025-04-21. Review status: criteria provided, single submitter. Criteria: Invitae Variant Classification Sherloc (09022015). Collection method: clinical testing. Allele origin: germline.
Comment: This sequence change replaces threonine, which is neutral and polar, with isoleucine, which is neutral and non-polar, at codon 319 of the PACS1 protein (p.Thr319Ile). This variant is present in population databases (no rsID available, gnomAD 0.01%). This variant has not been reported in the literature in individuals affected with PACS1-related conditions. ClinVar contains an entry for this variant (Variation ID: 2990117). Invitae Evidence Modeling of protein sequence and biophysical properties (such as structural, functional, and spatial information, amino acid conservation, physicochemical variation, residue mobility, and thermodynamic stability) indicates that this missense variant is not expected to disrupt PACS1 protein function with a negative predictive value of 80%. In summary, the available evidence is currently insufficient to determine the role of this variant in disease. Therefore, it has been classified as a Variant of Uncertain Significance.